The following is an entry in ClinVar:

NM_212482.4(FN1):c.61G>A (p.Val21Met)

Genes: FN1 (fibronectin 1; minus strand), FN1-DT (FN1 divergent transcript; plus strand). Cytogenetic location: 2q35.
Variant type: single nucleotide variant.
Coding change: c.61G>A on transcript NM_212482.4 (MANE Select); coding-DNA position 61, G replaced by A.
Protein change: p.Val21Met; replaces valine 21 with methionine.
Molecular consequence: missense variant. On other transcripts: non-coding transcript variant (1).
Genome position (GRCh38, 1-based): chr2:215,435,742, C>T on the plus strand (G>A on the coding strand, the complement: FN1 is on the minus strand). VCF-style: chr2-215435742-C-T. GRCh37 (hg19) VCF-style: chr2-216300465-C-T.
Other names: c.61G>A, p.Val21Met (NM_001365523.2, NM_001365524.2, NM_002026.4 and 14 more transcripts); short protein forms V21M.
Identifiers: ClinVar variation 3585568 (VCV003585568.3).

ClinVar aggregate classification (germline): Uncertain significance. Review status: criteria provided, multiple submitters, no conflicts (2 of 4 stars). 2 submissions from 2 submitters: Uncertain significance (2). Last evaluated 2024-06-19.

Conditions:
Glomerulopathy with fibronectin deposits 2 (GFND2). Identifiers: Orphanet 84090, MedGen C1866075, MONDO:0011165, OMIM 601894.
Spondylometaphyseal dysplasia - Sutcliffe type. Also called: Sutcliffe type of spondylometaphyseal dysplasia; Sutcliffe SMD; Spondylometaphyseal dysplasia, 'corner fracture' type; Spondylometaphyseal Dysplasia, Corner Fracture Type. Identifiers: Orphanet 93315, MedGen C0432221, MONDO:0008479, OMIM 184255.

gnomAD v4.1: 2 of 1,605,000 alleles (0.00012%); highest among the groups gnomAD compares: Admixed American, 0.0017%; no homozygotes.

Submissions (2):

Labcorp Genetics (formerly Invitae), Labcorp
Classification: Uncertain significance. Last evaluated: 2024-06-19. Review status: criteria provided, single submitter. Criteria: Invitae Variant Classification Sherloc (09022015). Collection method: clinical testing. Allele origin: germline.
Comment: This sequence change replaces valine, which is neutral and non-polar, with methionine, which is neutral and non-polar, at codon 21 of the FN1 protein (p.Val21Met). This variant is not present in population databases (gnomAD no frequency). This variant has not been reported in the literature in individuals affected with FN1-related conditions. Advanced modeling of protein sequence and biophysical properties (such as structural, functional, and spatial information, amino acid conservation, physicochemical variation, residue mobility, and thermodynamic stability) performed at Invitae indicates that this missense variant is not expected to disrupt FN1 protein function with a negative predictive value of 80%. In summary, the available evidence is currently insufficient to determine the role of this variant in disease. Therefore, it has been classified as a Variant of Uncertain Significance.

Fulgent Genetics
Classification: Uncertain significance for Spondylometaphyseal dysplasia - Sutcliffe type; Glomerulopathy with fibronectin deposits 2. Last evaluated: 2024-06-01. Review status: criteria provided, single submitter. Criteria: ACMG Guidelines, 2015. Collection method: clinical testing. Allele origin: germline.